The following is an entry in ClinVar:

NM_000404.4(GLB1):c.1527G>T (p.Trp509Cys)

Gene: GLB1 (galactosidase beta 1; minus strand). Cytogenetic location: 3p22.3.
Variant type: single nucleotide variant.
Coding change: c.1527G>T on transcript NM_000404.4 (MANE Select); coding-DNA position 1527, G replaced by T.
Protein change: p.Trp509Cys; replaces tryptophan 509 with cysteine.
Molecular consequence: missense variant.
Genome position (GRCh38, 1-based): chr3:33,014,263, C>A on the plus strand (G>T on the coding strand, the complement: GLB1 is on the minus strand). VCF-style: chr3-33014263-C-A. GRCh37 (hg19) VCF-style: chr3-33055755-C-A.
Other names: c.1527G>T (NM_000404.3); c.1437G>T, p.Trp479Cys (NM_001079811.3); c.1134G>T, p.Trp378Cys (NM_001135602.3); c.1671G>T, p.Trp557Cys (NM_001317040.2); c.1527G>T, p.Trp509Cys (NM_001393580.1); short protein forms W509C, W378C, W557C, W479C.
Identifiers: ClinVar variation 933 (VCV000000933.7), dbSNP rs72555363, ClinGen allele CA114646.

ClinVar aggregate classification (germline): Pathogenic/Likely pathogenic. Review status: criteria provided, multiple submitters, no conflicts (2 of 4 stars). 4 submissions from 4 submitters: Pathogenic (1); Likely pathogenic (2). 1 of the submissions does not count toward it. Last evaluated 2025-11-20.

Conditions:
Mucopolysaccharidosis, MPS-IV-B (MPS4B). Also called: MPS IVB; Mucopolysaccharidosis type IV B; Mucopolysaccharidosis Type IVB (Morquio B Disease); MORQUIO SYNDROME B; Mucopolysaccharidosis Type IVB; Mucopolysaccharidosis type 4B. Identifiers: Orphanet 309310, Orphanet 582, MedGen C0086652, MONDO:0009660, OMIM 253010.
GM1 gangliosidosis. Identifiers: Orphanet 354, MedGen C0085131, MONDO:0018149.

Allele frequency attached by ClinVar (database versions not stated): gnomAD exomes 0.00001.
gnomAD v4.1: 9 of 1,614,138 alleles (0.00056%); highest among the groups gnomAD compares: Admixed American, 0.0017%; no homozygotes.

Submissions (4):

Women's Health and Genetics/Laboratory Corporation of America, LabCorp
Classification: Likely pathogenic for Mucopolysaccharidosis, MPS-IV-B. Last evaluated: 2025-11-20. Review status: criteria provided, single submitter. Criteria: LabCorp Variant Classification Summary - May 2015. Collection method: clinical testing. Allele origin: germline.
Comment: Variant summary: GLB1 c.1527G>T (p.Trp509Cys) results in a non-conservative amino acid change in the encoded protein sequence. Algorithms developed to predict the effect of missense changes on protein structure and function all suggest that this , variant is likely to be disruptive. The variant was absent in 247104 control chromosomes. c.1527G>T has been observed in individuals affected with Mucopolysaccharidosis Type IVB (Morquio Syndrome B) (Oshima_1991, Kaye_1997). These data indicate that the variant may be associated with disease. At least one publication reports experimental evidence evaluating an impact on protein function (Oshima_1991). The most pronounced variant effect results in no detectable enzymatic activity. The following publications have been ascertained in the context of this evaluation (PMID: 37152986, 9203065, 1928092). ClinVar contains an entry for this variant (Variation ID: 933). Based on the evidence outlined above, the variant was classified as likely pathogenic.

Natera, Inc.
Classification: Likely pathogenic for Mucopolysaccharidosis, MPS-IV-B. Last evaluated: 2024-07-11. Review status: criteria provided, single submitter. Criteria: Natera Variant Classification Schema (03/2026). Collection method: clinical testing. Allele origin: germline.
Comment: The c.1527G>T variant in GLB1 is a missense variant predicted to cause substitution of tryptophan to cysteine at amino acid 509. This variant is rare in the general population with a frequency below the threshold expected for the associated phenotype(s). This variant has been observed in one or more individuals affected with the associated recessive disease, as either homozygous or compound heterozygous with a second variant (PMID: 16538002, 9203065). Functional studies show that this variant may disrupt protein function (PMID: 23337983). Computational prediction algorithms indicate this variant is likely to affect gene or protein function. Given the available evidence, this variant is classified as Likely Pathogenic.

Labcorp Genetics (formerly Invitae), Labcorp
Classification: Pathogenic for Mucopolysaccharidosis, MPS-IV-B; GM1 gangliosidosis. Last evaluated: 2022-12-06. Review status: criteria provided, single submitter. Criteria: Invitae Variant Classification Sherloc (09022015). Collection method: clinical testing. Allele origin: germline.
Comment: This sequence change replaces tryptophan, which is neutral and slightly polar, with cysteine, which is neutral and slightly polar, at codon 509 of the GLB1 protein (p.Trp509Cys). This variant is not present in population databases (gnomAD no frequency). This missense change has been observed in individual(s) with GLB1-related conditions (PMID: 1928092, 9203065). ClinVar contains an entry for this variant (Variation ID: 933). Advanced modeling of protein sequence and biophysical properties (such as structural, functional, and spatial information, amino acid conservation, physicochemical variation, residue mobility, and thermodynamic stability) performed at Invitae indicates that this missense variant is expected to disrupt GLB1 protein function. For these reasons, this variant has been classified as Pathogenic.

OMIM
Classification: Pathogenic for MUCOPOLYSACCHARIDOSIS, TYPE IVB. Last evaluated: 1991-11-01. Review status: no assertion criteria provided. Collection method: literature only. Allele origin: germline. Not counted in ClinVar's aggregate classification.

Literature cited by the submitters: PubMed 1928092 (cited by 3 submitters); PubMed 37152986 (cited by Women's Health and Genetics/Laboratory Corporation of America, LabCorp); PubMed 9203065 (cited by 3 submitters); PubMed 16538002 (cited by Natera, Inc.); PubMed 23337983 (cited by Natera, Inc.).